The following is an entry in ClinVar:

NM_032290.4(SLF1):c.737A>G (p.Gln246Arg)

Gene: SLF1 (SMC5/6 complex localization factor 1; plus strand). Cytogenetic location: 5q15.
Variant type: single nucleotide variant.
Coding change: c.737A>G on transcript NM_032290.4 (MANE Select); coding-DNA position 737, A replaced by G.
Protein change: p.Gln246Arg; replaces glutamine 246 with arginine.
Molecular consequence: missense variant.
Genome position (GRCh38, 1-based): chr5:94,649,596, A>G. VCF-style: chr5-94649596-A-G. GRCh37 (hg19) VCF-style: chr5-93985301-A-G.
Other names: NC_000005.9:g.93985301A>G; short protein forms Q246R.
Identifiers: ClinVar variation 2655591 (VCV002655591.25), dbSNP rs201153902, ClinGen allele CA3344462.

ClinVar aggregate classification (germline): Likely benign (1 of 4 stars; one submission).

Allele frequency attached by ClinVar (database versions not stated): TOPMed 0.00053; 1000 Genomes Project 0.00060; gnomAD 0.00067; gnomAD exomes 0.00096; 1000 Genomes Project 30x 0.00125; ExAC 0.00377.
gnomAD v4.1: 1,375 of 1,468,618 alleles (0.094%); highest among the groups gnomAD compares: South Asian, 0.8%; 9 homozygotes.

Submissions (3):

CeGaT Center for Human Genetics Tuebingen
Classification: Likely benign. Last evaluated: 2022-10-01. Review status: criteria provided, single submitter. Criteria: CeGaT Center For Human Genetics Tuebingen Variant Classification Criteria Version 2. Collection method: clinical testing. Allele origin: germline. Affected: yes. Observed: 1 variant allele.
Comment: SLF1: BP4

Dr. Peter K. Rogan Lab, Western University
No classification provided (evidence only). Condition: Familial cancer of breast. Review status: no classification provided. Collection method: in vitro. Allele origin: not applicable. Functional consequence: skipped exon. Not counted in ClinVar's aggregate classification.

Dr. Peter K. Rogan Lab, Western University
No classification provided (evidence only). Condition: Sarcoma. Review status: no classification provided. Collection method: in vitro. Allele origin: not applicable. Functional consequence: skipped exon, retained intron. Not counted in ClinVar's aggregate classification.